The following is an entry in ClinVar:

ClinVar aggregate classification (germline): Pathogenic. Review status: criteria provided, multiple submitters, no conflicts (2 of 4 stars). 4 submissions from 4 submitters: Pathogenic (2). 2 of the submissions do not count toward it. Last evaluated 2023-04-06.

Conditions:
Pendred syndrome (PDS). Also called: GOITER-DEAFNESS SYNDROME; HYPOTHYROIDISM, CONGENITAL, DUE TO DYSHORMONOGENESIS, 2B; DEAFNESS WITH GOITER; Pendred's syndrome; Pendred Syndrome (PDS); THYROID DYSHORMONOGENESIS 2B. Identifiers: Orphanet 705, MedGen C0271829, MONDO:0010134, OMIM 274600.
Autosomal recessive nonsyndromic hearing loss 4 (DFNB4). Also called: Deafness, autosomal recessive 4; Enlarged vestibular aqueduct, digenic; FOXI1-Related Pendred Syndrome; KCNJ10-Related Pendred Syndrome; NEUROSENSORY NONSYNDROMIC RECESSIVE DEAFNESS 4; DEAFNESS, AUTOSOMAL RECESSIVE 4, WITH ENLARGED VESTIBULAR AQUEDUCT, DIGENIC. Identifiers: Orphanet 90636, MedGen C3538946, MONDO:0010933, OMIM 600791.

Allele frequency attached by ClinVar (database versions not stated): gnomAD exomes below 0.00001.
gnomAD v4.1: 5 of 1,564,478 alleles (0.00032%); highest among the groups gnomAD compares: Non-Finnish European, 0.00044%; no homozygotes.

Submissions (4):

Labcorp Genetics (formerly Invitae), Labcorp
Classification: Pathogenic. Last evaluated: 2023-04-06. Review status: criteria provided, single submitter. Criteria: Invitae Variant Classification Sherloc (09022015). Collection method: clinical testing. Allele origin: germline.
Comment: This sequence change replaces glutamine, which is neutral and polar, with lysine, which is basic and polar, at codon 514 of the SLC26A4 protein (p.Gln514Lys). This variant is not present in population databases (gnomAD no frequency). This missense change has been observed in individuals with SLC26A4-related conditions (PMID: 18285825). ClinVar contains an entry for this variant (Variation ID: 4841). Advanced modeling of protein sequence and biophysical properties (such as structural, functional, and spatial information, amino acid conservation, physicochemical variation, residue mobility, and thermodynamic stability) performed at Invitae indicates that this missense variant is expected to disrupt SLC26A4 protein function. This variant disrupts the p.Gln514 amino acid residue in SLC26A4. Other variant(s) that disrupt this residue have been determined to be pathogenic (PMID: 15689455, 25394566, 26969326). This suggests that this residue is clinically significant, and that variants that disrupt this residue are likely to be disease-causing. For these reasons, this variant has been classified as Pathogenic.

Fulgent Genetics
Classification: Pathogenic for Pendred syndrome; Autosomal recessive nonsyndromic hearing loss 4. Last evaluated: 2021-07-10. Review status: criteria provided, single submitter. Criteria: ACMG Guidelines, 2015. Collection method: clinical testing. Allele origin: unknown.

OMIM
Classification: Pathogenic for DEAFNESS, AUTOSOMAL RECESSIVE 4, WITH ENLARGED VESTIBULAR AQUEDUCT. Last evaluated: 2008-08-01. Review status: no assertion criteria provided. Collection method: literature only. Allele origin: germline. Not counted in ClinVar's aggregate classification.

GeneReviews
No classification provided. Condition: Pendred syndrome. Review status: no classification provided. Collection method: literature only. Allele origin: germline. Not counted in ClinVar's aggregate classification.

Literature cited by the submitters: PubMed 18285825 (cited by Labcorp Genetics (formerly Invitae), Labcorp and OMIM); PubMed 15689455 (cited by Labcorp Genetics (formerly Invitae), Labcorp); PubMed 25394566 (cited by Labcorp Genetics (formerly Invitae), Labcorp); PubMed 26969326 (cited by Labcorp Genetics (formerly Invitae), Labcorp); NCBI Bookshelf NBK1467 (cited by GeneReviews).

NM_000441.2(SLC26A4):c.1540C>A (p.Gln514Lys)

Gene: SLC26A4 (solute carrier family 26 member 4; plus strand). Cytogenetic location: 7q22.3.
Variant type: single nucleotide variant.
Coding change: c.1540C>A on transcript NM_000441.2 (MANE Select); coding-DNA position 1540, C replaced by A.
Protein change: p.Gln514Lys; replaces glutamine 514 with lysine.
Molecular consequence: missense variant.
Genome position (GRCh38, 1-based): chr7:107,696,035, C>A. VCF-style: chr7-107696035-C-A. GRCh37 (hg19) VCF-style: chr7-107336480-C-A.
Other names: short protein forms Q514K.
Identifiers: ClinVar variation 4841 (VCV000004841.9), dbSNP rs121908366, ClinGen allele CA340295.